The following is an entry in ClinVar:

NM_152618.3(BBS12):c.757C>G (p.Gln253Glu)

Gene: BBS12 (Bardet-Biedl syndrome 12; plus strand). Cytogenetic location: 4q27.
Variant type: single nucleotide variant.
Coding change: c.757C>G on transcript NM_152618.3 (MANE Select); coding-DNA position 757, C replaced by G.
Protein change: p.Gln253Glu; replaces glutamine 253 with glutamic acid.
Molecular consequence: missense variant.
Genome position (GRCh38, 1-based): chr4:122,742,649, C>G. VCF-style: chr4-122742649-C-G. GRCh37 (hg19) VCF-style: chr4-123663804-C-G.
Other names: c.757C>G, p.Gln253Glu (NM_001178007.2); short protein forms Q253E.
Identifiers: ClinVar variation 4995490 (VCV004995490.1).

ClinVar aggregate classification (germline): Uncertain significance (1 of 4 stars; one submission).

Conditions:
BBS12-related disorder. Also called: BBS12-related condition.

Submission:

PreventionGenetics, part of Exact Sciences
Classification: Uncertain significance for BBS12-related condition. Last evaluated: 2026-01-30. Review status: criteria provided, single submitter. Criteria: ACMG Guidelines, 2015. Collection method: clinical testing. Allele origin: germline.
Comment: The BBS12 c.757C>G variant is predicted to result in the amino acid substitution p.Gln253Glu. To our knowledge, this variant has not been reported in the literature or in a large population database (gnomAD), indicating this variant is rare. At this time, the clinical significance of this variant is uncertain due to the absence of conclusive functional and genetic evidence.